The following is an entry in ClinVar:

NM_000321.3(RB1):c.670G>T (p.Asp224Tyr)

Gene: RB1 (RB transcriptional corepressor 1; plus strand). Cytogenetic location: 13q14.2.
Variant type: single nucleotide variant.
Coding change: c.670G>T on transcript NM_000321.3 (MANE Select); coding-DNA position 670, G replaced by T.
Protein change: p.Asp224Tyr; replaces aspartic acid 224 with tyrosine.
Molecular consequence: missense variant.
Genome position (GRCh38, 1-based): chr13:48,360,079, G>T. VCF-style: chr13-48360079-G-T. GRCh37 (hg19) VCF-style: chr13-48934215-G-T.
Other names: c.670G>T, p.Asp224Tyr (NM_001407165.1, NM_001407166.1); short protein forms D224Y.
Identifiers: ClinVar variation 3670800 (VCV003670800.2).

ClinVar aggregate classification (germline): Uncertain significance (1 of 4 stars; one submission).

Conditions:
Retinoblastoma (RB1). Also called: RETINOBLASTOMA, SOMATIC. Identifiers: Orphanet 790, MedGen C0035335, MeSH D012175, MONDO:0008380, OMIM 180200, HP:0009919. Disease mechanism: loss of function. Inheritance: Both sporadic and heritable forms are tested..

Submission:

Labcorp Genetics (formerly Invitae), Labcorp
Classification: Uncertain significance for Retinoblastoma. Last evaluated: 2024-12-30. Review status: criteria provided, single submitter. Criteria: Invitae Variant Classification Sherloc (09022015). Collection method: clinical testing. Allele origin: germline.
Comment: This sequence change replaces aspartic acid, which is acidic and polar, with tyrosine, which is neutral and polar, at codon 224 of the RB1 protein (p.Asp224Tyr). This variant is not present in population databases (gnomAD no frequency). This variant has not been reported in the literature in individuals affected with RB1-related conditions. Invitae Evidence Modeling of protein sequence and biophysical properties (such as structural, functional, and spatial information, amino acid conservation, physicochemical variation, residue mobility, and thermodynamic stability) indicates that this missense variant is expected to disrupt RB1 protein function with a positive predictive value of 80%. In summary, the available evidence is currently insufficient to determine the role of this variant in disease. Therefore, it has been classified as a Variant of Uncertain Significance.